The following is an entry in ClinVar:

ClinVar aggregate classification (germline): Uncertain significance (1 of 4 stars; one submission).

Allele frequency attached by ClinVar (database versions not stated): gnomAD exomes below 0.00001 and 0.00001; TOPMed below 0.00001; ExAC 0.00001.
gnomAD v4.1: 3 of 1,614,010 alleles (0.00019%); highest among the groups gnomAD compares: South Asian, 0.0022%; no homozygotes.

Submission:

GeneDx
Classification: Uncertain significance. Last evaluated: 2021-04-28. Review status: criteria provided, single submitter. Criteria: GeneDx Variant Classification Process June 2021. Collection method: clinical testing. Allele origin: germline. Affected: yes.
Comment: Not observed at a significant frequency in large population cohorts (Lek et al., 2016); In silico analysis supports that this missense variant has a deleterious effect on protein structure/function; Has not been previously published as pathogenic or benign to our knowledge

NM_138691.3(TMC1):c.1588T>C (p.Ser530Pro)

Gene: TMC1 (transmembrane channel like 1; plus strand). Cytogenetic location: 9q21.13.
Variant type: single nucleotide variant.
Coding change: c.1588T>C on transcript NM_138691.3 (MANE Select); coding-DNA position 1588, T replaced by C.
Protein change: p.Ser530Pro; replaces serine 530 with proline.
Molecular consequence: missense variant.
Genome position (GRCh38, 1-based): chr9:72,805,403, T>C. VCF-style: chr9-72805403-T-C. GRCh37 (hg19) VCF-style: chr9-75420319-T-C.
Other names: short protein forms S530P.
Identifiers: ClinVar variation 1314896 (VCV001314896.2), dbSNP rs750746559, ClinGen allele CA5081995.